The following is an entry in ClinVar:

NM_000268.4(NF2):c.534_535del (p.Gln178fs)

Gene: NF2 (NF2, moesin-ezrin-radixin like (MERLIN) tumor suppressor; plus strand). Cytogenetic location: 22q12.2.
Variant type: Deletion.
Coding change: c.534_535del on transcript NM_000268.4 (MANE Select); coding-DNA positions 534 to 535, 2 bases deleted (GA; older notation c.534_535delGA).
Protein change: p.Gln178fs; shifts the reading frame from glutamine 178.
Molecular consequence: frameshift variant. On other transcripts: initiator codon variant (1), intron variant (1).
Genome position (GRCh38, 1-based): chr22:29,655,611-29,655,612, GA deleted; deleting any 2 consecutive bases within chr22:29,655,610-29,655,612 gives the same sequence; the c. name uses the placement nearest the transcript's 3' end. VCF-style (leftmost placement, unchanged base first): chr22-29655609-CAG-C. GRCh37 (hg19) VCF-style: chr22-30051598-CAG-C.
Other names: c.420_421del, p.Gln140fs (NM_001407053.1, NM_001407056.1); c.411_412del, p.Gln137fs (NM_001407054.1, NM_001407058.1, NM_001407062.1 and 1 more transcripts); c.408_409del, p.Gln136fs (NM_001407055.1, NM_181828.3); c.534_535del, p.Gln178fs (NM_001407057.1, NM_001407059.1, NM_001407060.1 and 4 more transcripts); c.285_286del, p.Gln95fs (NM_001407063.1, NM_001407064.1, NM_181830.3 and 1 more transcripts); c.-1_1del, p.Met1fs (NM_001407065.1); c.303_304del, p.Gln101fs (NM_001407067.1); c.447+13326_447+13327del (NM_181833.3); short protein forms M1fs, Q101fs, Q136fs, Q137fs, Q140fs, Q178fs, Q95fs.
Identifiers: ClinVar variation 3897727 (VCV003897727.1).

ClinVar aggregate classification (oncogenicity): Oncogenic (1 of 4 stars; one submission).

Conditions:
Meningioma. Also called: Meningioma, somatic. Identifiers: Orphanet 2495, MedGen C0025286, MONDO:0016642, HP:0002858.

Submission:

Dr. Guy Rouleau's laboratory, McGill University
Classification: Oncogenic for Meningioma. Last evaluated: 2025-03-30. Review status: criteria provided, single submitter. Criteria: ClinGen/CGC/VICC Guidelines for Oncogenicity, 2022. Collection method: research. Allele origin: somatic. Affected: yes.
Comment: This frameshift variant generates a premature translational stop signal (p.Gln178fs) in the NF2 gene, likely leading to an absent or disrupted protein product. Loss-of-function variants in NF2 are well-documented as pathogenic (PMIDs: 8755919, 9643284, 16983642). This somatic variant was identified in a paired tumor-blood sequencing study of meningiomas. It has not been reported in population databases (gnomAD v2.1.1: no frequency).